The following is an entry in ClinVar:

NM_052947.4(ALPK2):c.5922C>G (p.Asn1974Lys)

Gene: ALPK2 (alpha kinase 2; minus strand). Cytogenetic location: 18q21.31.
Variant type: single nucleotide variant.
Coding change: c.5922C>G on transcript NM_052947.4 (MANE Select); coding-DNA position 5922, C replaced by G.
Protein change: p.Asn1974Lys; replaces asparagine 1974 with lysine.
Molecular consequence: missense variant.
Genome position (GRCh38, 1-based): chr18:58,516,926, G>C on the plus strand (C>G on the coding strand, the complement: ALPK2 is on the minus strand). VCF-style: chr18-58516926-G-C. GRCh37 (hg19) VCF-style: chr18-56184158-G-C.
Other names: short protein forms N1974K.
Identifiers: ClinVar variation 1750519 (VCV001750519.2), dbSNP rs2518862612, ClinGen allele CA402547763.

ClinVar aggregate classification (germline): Uncertain significance (1 of 4 stars; one submission).

Submission:

Ambry Genetics
Classification: Uncertain significance. Last evaluated: 2022-04-12. Review status: criteria provided, single submitter. Criteria: Ambry Variant Classification Scheme 2023. Collection method: clinical testing. Allele origin: germline.
Comment: The p.N1974K variant (also known as c.5922C>G), located in coding exon 8 of the ALPK2 gene, results from a C to G substitution at nucleotide position 5922. The asparagine at codon 1974 is replaced by lysine, an amino acid with similar properties. This amino acid position is conserved. In addition, this alteration is predicted to be tolerated by in silico analysis. Since supporting evidence is limited at this time, the clinical significance of this alteration remains unclear.